The following is an entry in ClinVar:

NM_001114753.3(ENG):c.1334T>G (p.Met445Arg)

Genes: ENG (endoglin; minus strand), LOC102723566 (uncharacterized LOC102723566; plus strand). Cytogenetic location: 9q34.11.
Variant type: single nucleotide variant.
Coding change: c.1334T>G on transcript NM_001114753.3 (MANE Select); coding-DNA position 1334, T replaced by G.
Protein change: p.Met445Arg; replaces methionine 445 with arginine.
Molecular consequence: missense variant.
Genome position (GRCh38, 1-based): chr9:127,818,810, A>C on the plus strand (T>G on the coding strand, the complement: ENG is on the minus strand). VCF-style: chr9-127818810-A-C. GRCh37 (hg19) VCF-style: chr9-130581089-A-C.
Other names: c.1334T>G, p.Met445Arg (NM_000118.4); c.788T>G, p.Met263Arg (NM_001278138.2); short protein forms M263R, M445R.
Identifiers: ClinVar variation 4870464 (VCV004870464.1).

ClinVar aggregate classification (germline): Uncertain significance (1 of 4 stars; one submission).

Conditions:
Cardiovascular phenotype. Identifiers: MedGen CN230736.

gnomAD v4.1: 1 of 1,614,020 alleles (0.000062%); highest among the groups gnomAD compares: East Asian, 0.0022%; no homozygotes.

Submission:

Ambry Genetics
Classification: Uncertain significance for Cardiovascular phenotype. Last evaluated: 2026-04-28. Review status: criteria provided, single submitter. Criteria: Ambry Variant Classification Scheme 2023. Collection method: clinical testing. Allele origin: germline.
Comment: The p.M445R variant (also known as c.1334T>G), located in coding exon 11 of the ENG gene, results from a T to G substitution at nucleotide position 1334. The methionine at codon 445 is replaced by arginine, an amino acid with similar properties. This amino acid position is conserved. In addition, this alteration is predicted to be tolerated by in silico analysis. Based on the available evidence, the clinical significance of this variant remains unclear.